The following is an entry in ClinVar:

ClinVar aggregate classification (germline): Likely benign. Review status: criteria provided, multiple submitters, no conflicts (2 of 4 stars). 2 submissions from 2 submitters: Likely benign (2). Last evaluated 2026-09-01.

Allele frequency attached by ClinVar (database versions not stated): ESP Exome Variant Server 0.00015; ExAC 0.00018; gnomAD exomes 0.00022 and 0.00032; gnomAD 0.00024 and 0.00025; TOPMed 0.00026.
gnomAD v4.1: 513 of 1,613,896 alleles (0.032%); highest among the groups gnomAD compares: Non-Finnish European, 0.038%; no homozygotes.

Submissions (2):

CeGaT Center for Human Genetics Tuebingen
Classification: Likely benign. Last evaluated: 2026-09-01. Review status: criteria provided, single submitter. Criteria: CeGaT Center For Human Genetics Tuebingen Variant Classification Criteria Version 2. Collection method: clinical testing. Allele origin: germline. Affected: yes. Observed: 1 variant allele.
Comment: KATNAL2: PP3, BS1

Ambry Genetics
Classification: Likely benign. Last evaluated: 2018-03-28. Review status: criteria provided, single submitter. Criteria: Ambry Variant Classification Scheme 2023. Collection method: clinical testing. Allele origin: germline.

NM_001387690.1(KATNAL2):c.959C>T (p.Ala320Val)

Gene: KATNAL2 (katanin catalytic subunit A1 like 2; plus strand). Cytogenetic location: 18q21.1.
Variant type: single nucleotide variant.
Coding change: c.959C>T on transcript NM_001387690.1 (MANE Select); coding-DNA position 959, C replaced by T.
Protein change: p.Ala320Val; replaces alanine 320 with valine.
Molecular consequence: missense variant. On other transcripts: non-coding transcript variant (1).
Genome position (GRCh38, 1-based): chr18:47,069,551, C>T. VCF-style: chr18-47069551-C-T. GRCh37 (hg19) VCF-style: chr18-44595922-C-T.
Other names: c.1037C>T, p.Ala346Val (NM_001353899.1); c.1034C>T, p.Ala345Val (NM_001353900.1); c.959C>T, p.Ala320Val (NM_001353901.1, NM_001367621.1); c.938C>T, p.Ala313Val (NM_001353902.1); c.626C>T, p.Ala209Val (NM_001353903.1, NM_001353905.1, NM_001353906.1 and 1 more transcripts); c.527C>T, p.Ala176Val (NM_001353904.1, NM_001353908.1, NM_001353909.1); c.743C>T, p.Ala248Val (NM_031303.3); short protein forms A248V, A209V, A176V, A346V, A345V, A313V, A320V.
Identifiers: ClinVar variation 587978 (VCV000587978.6), dbSNP rs140833601, ClinGen allele CA8955154.